The following is an entry in ClinVar:

ClinVar aggregate classification (germline): Uncertain significance. Review status: criteria provided, single submitter (1 of 4 stars). 2 submissions from 2 submitters: Uncertain significance (1). 1 of the submissions does not count toward it. Last evaluated 2025-08-21.

Conditions:
Inborn genetic diseases. Identifiers: MedGen C0950123, MeSH D030342.
IFT74-related disorder. Also called: IFT74-Related Disorders; IFT74-related condition.

gnomAD v4.1: 2 of 1,595,586 alleles (0.00013%); highest among the groups gnomAD compares: Admixed American, 0.0035%; no homozygotes.

Submissions (2):

Ambry Genetics
Classification: Uncertain significance for Inborn genetic diseases. Last evaluated: 2025-08-21. Review status: criteria provided, single submitter. Criteria: Ambry Variant Classification Scheme 2023. Collection method: clinical testing. Allele origin: germline.

PreventionGenetics, part of Exact Sciences
Classification: Uncertain significance for IFT74-related condition. Last evaluated: 2024-03-05. Review status: no assertion criteria provided. Collection method: clinical testing. Allele origin: germline. Not counted in ClinVar's aggregate classification.
Comment: The IFT74 c.1051C>A variant is predicted to result in the amino acid substitution p.Gln351Lys. To our knowledge, this variant has not been reported in the literature. This variant is reported in 0.0096% of alleles in individuals of Latino descent in gnomAD. At this time, the clinical significance of this variant is uncertain due to the absence of conclusive functional and genetic evidence.

NM_025103.4(IFT74):c.1051C>A (p.Gln351Lys)

Gene: IFT74 (intraflagellar transport 74; plus strand). Cytogenetic location: 9p21.2.
Variant type: single nucleotide variant.
Coding change: c.1051C>A on transcript NM_025103.4 (MANE Select); coding-DNA position 1051, C replaced by A.
Protein change: p.Gln351Lys; replaces glutamine 351 with lysine.
Molecular consequence: missense variant.
Genome position (GRCh38, 1-based): chr9:27,029,101, C>A. VCF-style: chr9-27029101-C-A. GRCh37 (hg19) VCF-style: chr9-27029099-C-A.
Other names: c.1051C>A, p.Gln351Lys (NM_001099222.3, NM_001099223.3, NM_001099224.3 and 1 more transcripts); c.1051C>A (NM_001099222.1); short protein forms Q351K.
Identifiers: ClinVar variation 3357452 (VCV003357452.2).